The following is an entry in ClinVar:

NM_007294.4(BRCA1):c.3416G>T (p.Ser1139Ile)

Genes: BRCA1 (BRCA1 DNA repair associated; minus strand), LOC126862571 (BRD4-independent group 4 enhancer GRCh37_chr17:41243136-41244335; plus strand). Cytogenetic location: 17q21.31.
Variant type: single nucleotide variant.
Coding change: c.3416G>T on transcript NM_007294.4 (MANE Select); coding-DNA position 3416, G replaced by T.
Protein change: p.Ser1139Ile; replaces serine 1139 with isoleucine.
Molecular consequence: missense variant. On other transcripts: intron variant (135).
Genome position (GRCh38, 1-based): chr17:43,092,115, C>A on the plus strand (G>T on the coding strand, the complement: BRCA1 is on the minus strand). VCF-style: chr17-43092115-C-A. GRCh37 (hg19) VCF-style: chr17-41244132-C-A.
Other names: p.S1139I:AGT>ATT; c.788-1083G>T (NM_001407971.1, NM_001407981.1, NM_007298.4 and 17 more transcripts); c.791-1092G>T (NM_001408406.1); c.647-1083G>T (NM_001408456.1, NM_001408410.1, NM_001408458.1 and 11 more transcripts); c.644-1083G>T (NM_001408465.1, NM_001408463.1, NM_001408462.1 and 3 more transcripts); c.578-1083G>T (NM_001408482.1, NM_001408484.1, NM_001408478.1 and 9 more transcripts); c.521-1083G>T (NM_001408504.1, NM_001408503.1, NM_001408505.1); c.524-1083G>T (NM_001408499.1, NM_001408498.1, NM_001408501.1 and 3 more transcripts); and 42 more; short protein forms S1139I, S1092I, S1051I, S1072I, S1091I, S1011I, S1012I, S1027I.
Identifiers: ClinVar variation 54873 (VCV000054873.39), dbSNP rs80357228, ClinGen allele CA002209.

ClinVar aggregate classification (germline): Benign. Review status: reviewed by expert panel (3 of 4 stars). 15 submissions from 15 submitters: Benign (1). 14 of the submissions do not count toward it. Last evaluated 2019-06-18.

Conditions:
BRCA1-related disorder. Also called: BRCA1-related condition.
Hereditary cancer-predisposing syndrome. Also called: Tumor predisposition; Neoplastic Syndromes, Hereditary; Hereditary Cancer Syndrome; Hereditary neoplastic syndrome. Identifiers: Orphanet 140162, MedGen C0027672, MeSH D009386, MONDO:0015356.
Hereditary breast ovarian cancer syndrome. Also called: Hereditary breast and ovarian cancer syndrome (HBOC); Hereditary breast and ovarian cancer syndrome; Hereditary breast and ovarian cancer; Hereditary breast and/or ovarian cancer syndrome; Breast and ovarian cancer; BRCA1- and BRCA2-Associated Hereditary Breast and Ovarian Cancer. Identifiers: Orphanet 145, MedGen C0677776, MeSH D061325, MONDO:0003582. Disease mechanism: loss of function.
Breast-ovarian cancer, familial, susceptibility to, 1 (BROVCA1). Also called: OVARIAN CANCER, SUSCEPTIBILITY TO; BRCA1 Hereditary Breast and Ovarian Cancer. Identifiers: Orphanet 145, MedGen C2676676, MONDO:0011450, OMIM 604370. Disease mechanism: loss of function.

Allele frequency attached by ClinVar (database versions not stated): gnomAD exomes 0.00001; TOPMed 0.00003.
gnomAD v4.1: 17 of 1,613,920 alleles (0.0011%); highest among the groups gnomAD compares: Non-Finnish European, 0.0013%; no homozygotes.

Submissions (15):

Evidence-based Network for the Interpretation of Germline Mutant Alleles (ENIGMA)
Classification: Benign for Breast-ovarian cancer, familial, susceptibility to, 1. Last evaluated: 2019-06-18. Review status: reviewed by expert panel. Criteria: ENIGMA BRCA1/2 Classification Criteria (2017-06-29). Collection method: curation. Allele origin: germline.
Comment: IARC class based on posterior probability from multifactorial likelihood analysis, thresholds for class as per Plon et al. 2008 (PMID: 18951446). Class 1 based on posterior probability = 0.000012

Labcorp Genetics (formerly Invitae), Labcorp
Classification: Likely benign for Hereditary breast ovarian cancer syndrome. Last evaluated: 2026-01-21. Review status: criteria provided, single submitter. Criteria: Invitae Variant Classification Sherloc (09022015). Collection method: clinical testing. Allele origin: germline. Not counted in ClinVar's aggregate classification.

Center for Genomic Medicine, Rigshospitalet, Copenhagen University Hospital
Classification: Benign. Last evaluated: 2025-03-04. Review status: criteria provided, single submitter. Criteria: ACMG Guidelines, 2015. Collection method: clinical testing. Allele origin: germline. Not counted in ClinVar's aggregate classification.

Women's Health and Genetics/Laboratory Corporation of America, LabCorp
Classification: Likely benign. Last evaluated: 2025-02-06. Review status: criteria provided, single submitter. Criteria: LabCorp Variant Classification Summary - May 2015. Collection method: clinical testing. Allele origin: germline. Not counted in ClinVar's aggregate classification.
Comment: Variant summary: BRCA1 c.3416G>T (p.Ser1139Ile) results in a non-conservative amino acid change in the encoded protein sequence. Three of five in-silico tools predict a benign effect of the variant on protein function. The variant allele was found at a frequency of 1.2e-05 in 251078 control chromosomes (gnomAD). The available data on variant occurrences in the general population are insufficient to allow any conclusion about variant significance. c.3416G>T has been reported in the literature in individuals affected with breast and/or ovarian cancer without strong evidence of causality (e.g. Borg_2010, Meyer_2003, Bhai_2021). These reports do not provide unequivocal conclusions about association of the variant with Hereditary Breast And Ovarian Cancer Syndrome. At least one publication reports experimental evidence evaluating an impact on protein function (e.g., Bouwman_2020). The results of this study showed no damaging effect of this variant on homology directed repair (HDR) activity by illustrating no impairment of the variant to complement BRCA1-deficient mouse embryonic stem cells in homologous recombination DNA repair (HRR) using a direct GFP HRR assay as well as cisplatin and olaparib sensitivity assays. HDR assays qualify as a recognized gold standard on the basis of updated guidance provided by the ClinGen Sequence Variant Interpretation (SVI) working group (PMID: 31892348). ClinGen SVI now recognizes benign functional evidence as sufficient for categorization as likely benign (PMID: 29300386). The following publications have been ascertained in the context of this evaluation (PMID: 20104584, 12938098, 34326862, 32546644, 16267036, 34396183). ClinVar contains an entry for this variant (Variation ID: 54873). Based on the evidence outlined above, the variant was classified as likely benign.

Mayo Clinic Laboratories, Mayo Clinic
Classification: Benign. Last evaluated: 2024-11-12. Review status: criteria provided, single submitter. Criteria: ACMG Guidelines, 2015. Collection method: clinical testing. Allele origin: germline. Observed: 1 variant allele. Not counted in ClinVar's aggregate classification.
Comment: BP1_strong, BP5_strong

PreventionGenetics, part of Exact Sciences
Classification: Uncertain significance for BRCA1-related condition. Last evaluated: 2023-08-05. Review status: criteria provided, single submitter. Criteria: ACMG Guidelines, 2015. Collection method: clinical testing. Allele origin: germline. Not counted in ClinVar's aggregate classification.
Comment: The BRCA1 c.3416G>T variant is predicted to result in the amino acid substitution p.Ser1139Ile. This variant was reported in at least one patient with breast cancer, however, no other information was available (for example, supple. Table 2 in Borg et al. 2010. PubMed ID: 20104584). Of note, this variant occurs within a region of the BRCA1 gene that is predicted to be tolerant to variation (Table 2, Dines et al. 2020. PubMed ID: 31911673). This variant is reported in 0.0026% of alleles in individuals of European (Non-Finnish) descent in gnomAD. This variant is classified as benign, or uncertain variant in ClinVar. Although we suspect that this variant may be benign, at this time, the clinical significance of this variant is uncertain due to the absence of conclusive functional and genetic evidence.

Quest Diagnostics Nichols Institute San Juan Capistrano
Classification: Uncertain significance. Last evaluated: 2023-05-03. Review status: criteria provided, single submitter. Criteria: Quest Diagnostics criteria. Collection method: clinical testing. Allele origin: unknown. Not counted in ClinVar's aggregate classification.
Comment: The frequency of this variant in the general population, 0.000026 (3/113598 chromosomes), is uninformative in assessment of its pathogenicity. In the published literature, the variant has been reported in individuals affected with breast and/or ovarian cancer (PMIDs: 12938098 (2003), 16267036 (2005), 20104584 (2010), and 33471991 (2021); LOVD3 Shared). This variant was also reported in healthy cancer-free individuals (FLOSSIES,, PMID: 33471991 (2021); LOVD3 Shared). Analysis of this variant using bioinformatics tools for the prediction of the effect of amino acid changes on protein structure and function yielded predictions that this variant is benign. Based on the available information, we are unable to determine the clinical significance of this variant.

Ambry Genetics
Classification: Likely benign for Hereditary cancer-predisposing syndrome. Last evaluated: 2021-06-07. Review status: criteria provided, single submitter. Criteria: Ambry Variant Classification Scheme 2023. Collection method: clinical testing. Allele origin: germline. Not counted in ClinVar's aggregate classification.

GeneDx
Classification: Likely benign. Last evaluated: 2020-03-17. Review status: criteria provided, single submitter. Criteria: GeneDx Variant Classification Process June 2021. Collection method: clinical testing. Allele origin: germline. Affected: yes. Not counted in ClinVar's aggregate classification.
Comment: Not observed at a significant frequency in large population cohorts (Lek et al., 2016); In silico analysis supports that this missense variant has a deleterious effect on protein structure/function; This variant is associated with the following publications: (PMID: 20104584, 12938098, 23704879, 31131967, 16267036, 10923033)

Genetic Services Laboratory, University of Chicago
Classification: Uncertain significance. Last evaluated: 2020-02-11. Review status: criteria provided, single submitter. Criteria: ACMG Guidelines, 2015. Collection method: clinical testing. Allele origin: germline. Affected: no. Not counted in ClinVar's aggregate classification.
Comment: DNA sequence analysis of the BRCA1 gene demonstrated a sequence change, c.3416G>T, in exon 10 that results in an amino acid change, p.Ser1139Ile. This sequence change does not appear to have been previously described in patients with BRCA1-related disorders and has been described in the gnomAD database in three individuals (dbSNP rs80357228). The p.Ser1139Ile change affects a moderately conserved amino acid residue located in a domain of the BRCA1 protein that is known to be functional. The p.Ser1139Ile substitution appears to be benign using several in-silico pathogenicity prediction tools (SIFT, PolyPhen2, Align GVGD, REVEL). Due to the lack of functional studies, the clinical significance of the p.Ser1139Ile change remains unknown at this time.

Color Diagnostics, LLC DBA Color Health
Classification: Likely benign for Hereditary cancer-predisposing syndrome. Last evaluated: 2016-02-22. Review status: criteria provided, single submitter. Criteria: ACMG Guidelines, 2015. Collection method: clinical testing. Allele origin: germline. Not counted in ClinVar's aggregate classification.

Molecular Genetics Laboratory, University of Michigan
Classification: Uncertain significance for Breast-ovarian cancer, familial, susceptibility to, 1. Last evaluated: 2014-11-03. Review status: criteria provided, single submitter. Criteria: ACMG Guidelines, 2015. Collection method: clinical testing. Allele origin: germline. Affected: yes. Not counted in ClinVar's aggregate classification.

BRCAlab, Lund University
Classification: Benign for Breast-ovarian cancer, familial, susceptibility to, 1. Last evaluated: 2020-03-02. Review status: no assertion criteria provided. Collection method: clinical testing. Allele origin: germline. Affected: yes. Not counted in ClinVar's aggregate classification.

Cancer Genetics and Genomics Laboratory, British Columbia Cancer Agency
Classification: Uncertain significance for Hereditary breast ovarian cancer syndrome. Last evaluated: 2016-04-14. Review status: no assertion criteria provided. Collection method: clinical testing. Allele origin: germline. Study: The Canadian Open Genetics Repository (COGR). Not counted in ClinVar's aggregate classification.

Breast Cancer Information Core (BIC) (BRCA1)
Classification: Uncertain significance for Breast-ovarian cancer, familial 1. Last evaluated: 2004-11-25. Review status: no assertion criteria provided. Collection method: clinical testing. Allele origin: germline. Affected: yes. Observed: 2 variant alleles. Not counted in ClinVar's aggregate classification.

Literature cited by the submitters: PubMed 31131967 (cited by 3 submitters); PubMed 16267036 (cited by Women's Health and Genetics/Laboratory Corporation of America, LabCorp and Quest Diagnostics Nichols Institute San Juan Capistrano); PubMed 20104584 (cited by 3 submitters); PubMed 12938098 (cited by 3 submitters); PubMed 32546644 (cited by Women's Health and Genetics/Laboratory Corporation of America, LabCorp and Ambry Genetics); PubMed 34326862 (cited by Women's Health and Genetics/Laboratory Corporation of America, LabCorp); PubMed 34396183 (cited by Women's Health and Genetics/Laboratory Corporation of America, LabCorp); PubMed 33471991 (cited by Quest Diagnostics Nichols Institute San Juan Capistrano and Ambry Genetics); PubMed 10923033 (cited by Ambry Genetics); PubMed 23704879 (cited by Ambry Genetics); PubMed 25556339 (cited by Ambry Genetics).